The following is an entry in ClinVar:

NM_016507.4(CDK12):c.3838C>T (p.Pro1280Ser)

Gene: CDK12 (cyclin dependent kinase 12; plus strand). Cytogenetic location: 17q12.
Variant type: single nucleotide variant.
Coding change: c.3838C>T on transcript NM_016507.4 (MANE Select); coding-DNA position 3838, C replaced by T.
Protein change: p.Pro1280Ser; replaces proline 1280 with serine.
Molecular consequence: missense variant.
Genome position (GRCh38, 1-based): chr17:39,530,681, C>T. VCF-style: chr17-39530681-C-T. GRCh37 (hg19) VCF-style: chr17-37686934-C-T.
Other names: c.3811C>T, p.Pro1271Ser (NM_015083.4); short protein forms P1280S, P1271S.
Identifiers: ClinVar variation 3830691 (VCV003830691.1).
Genomic context (GRCh38, chr17:39,530,681, plus strand): 5'-CTTCCACCAGAGAAGAGGCCCCCTGAGCCCCCCGGACCTCCACCGCCGCCACCTCCACCC[C>T]CTCTGGTTGAAGGCGATCTTTCCAGCGCCCCCCAGGAGTTGAACCCAGCCGTGACAGCCG-3'
Protein context (NP_057591.2, residues 1270-1290): PGPPPPPPPP[Pro1280Ser]LVEGDLSSAP

ClinVar aggregate classification (germline): Uncertain significance (1 of 4 stars; one submission).

gnomAD v4.1: 1 of 1,613,666 alleles (0.000062%); highest among the groups gnomAD compares: Non-Finnish European, 0.000085%; no homozygotes.

Submission:

Ambry Genetics
Classification: Uncertain significance. Last evaluated: 2025-02-21. Review status: criteria provided, single submitter. Criteria: Ambry Variant Classification Scheme 2023. Collection method: clinical testing. Allele origin: germline.
Comment: The p.P1280S variant (also known as c.3838C>T), located in coding exon 14 of the CDK12 gene, results from a C to T substitution at nucleotide position 3838. The proline at codon 1280 is replaced by serine, an amino acid with similar properties. This amino acid position is conserved. In addition, this alteration is predicted to be tolerated by in silico analysis. Based on the available evidence, the clinical significance of this variant remains unclear.